The following is an entry in ClinVar:

NM_001276270.2(MBD4):c.1321C>T (p.Leu441Phe)

Gene: MBD4 (methyl-CpG binding domain 4, DNA glycosylase; minus strand). Cytogenetic location: 3q21.3.
Variant type: single nucleotide variant.
Coding change: c.1321C>T on transcript NM_001276270.2 (MANE Select); coding-DNA position 1321, C replaced by T.
Protein change: p.Leu441Phe; replaces leucine 441 with phenylalanine.
Molecular consequence: missense variant.
Genome position (GRCh38, 1-based): chr3:129,433,922, G>A on the plus strand (C>T on the coding strand, the complement: MBD4 is on the minus strand). VCF-style: chr3-129433922-G-A. GRCh37 (hg19) VCF-style: chr3-129152765-G-A.
Other names: c.1339C>T, p.Leu447Phe (NM_001276271.2, NM_001276272.2, NM_003925.3); c.385C>T, p.Leu129Phe (NM_001276273.2); short protein forms L129F, L441F, L447F.
Identifiers: ClinVar variation 3687902 (VCV003687902.2).

ClinVar aggregate classification (germline): Uncertain significance (1 of 4 stars; one submission).

gnomAD v4.1: 5 of 1,614,184 alleles (0.00031%); highest among the groups gnomAD compares: South Asian, 0.0022%; no homozygotes.

Submission:

Labcorp Genetics (formerly Invitae), Labcorp
Classification: Uncertain significance. Last evaluated: 2024-03-07. Review status: criteria provided, single submitter. Criteria: Invitae Variant Classification Sherloc (09022015). Collection method: clinical testing. Allele origin: germline.
Comment: This sequence change replaces leucine, which is neutral and non-polar, with phenylalanine, which is neutral and non-polar, at codon 447 of the MBD4 protein (p.Leu447Phe). This variant is present in population databases (rs757499279, gnomAD 0.003%). This variant has not been reported in the literature in individuals affected with MBD4-related conditions. An algorithm developed to predict the effect of missense changes on protein structure and function (PolyPhen-2) suggests that this variant is likely to be tolerated. In summary, the available evidence is currently insufficient to determine the role of this variant in disease. Therefore, it has been classified as a Variant of Uncertain Significance.